The following is an entry in ClinVar:

ClinVar aggregate classification (germline): Pathogenic. Review status: criteria provided, multiple submitters, no conflicts (2 of 4 stars). 2 submissions from 2 submitters: Pathogenic (2). Last evaluated 2025-08-21.

Conditions:
Familial thoracic aortic aneurysm and aortic dissection (TAAD). Also called: Thoracic aortic aneurysms and dissections. Identifiers: Orphanet 91387, MedGen C4707243, MONDO:0019625.

Submissions (2):

Labcorp Genetics (formerly Invitae), Labcorp
Classification: Pathogenic for Familial thoracic aortic aneurysm and aortic dissection. Last evaluated: 2025-08-21. Review status: criteria provided, single submitter. Criteria: Invitae Variant Classification Sherloc (09022015). Collection method: clinical testing. Allele origin: germline.
Comment: This sequence change replaces arginine, which is basic and polar, with glycine, which is neutral and non-polar, at codon 460 of the TGFBR2 protein (p.Arg460Gly). This variant is not present in population databases (gnomAD no frequency). This missense change has been observed in individual(s) with clinical features of TGFBR2-related conditions (PMID: 35668506; internal data). In at least one individual the variant was observed to be de novo. ClinVar contains an entry for this variant (Variation ID: 1470300). Invitae Evidence Modeling of protein sequence and biophysical properties (such as structural, functional, and spatial information, amino acid conservation, physicochemical variation, residue mobility, and thermodynamic stability) indicates that this missense variant is expected to disrupt TGFBR2 protein function with a positive predictive value of 95%. This variant disrupts the p.Arg460 amino acid residue in TGFBR2. Other variant(s) that disrupt this residue have been determined to be pathogenic (PMID: 16027248, 16885183, 18852674, 21098638, 23884466, 25644172, 27508510). This suggests that this residue is clinically significant, and that variants that disrupt this residue are likely to be disease-causing. For these reasons, this variant has been classified as Pathogenic.

GeneDx
Classification: Pathogenic. Last evaluated: 2025-06-27. Review status: criteria provided, single submitter. Criteria: GeneDx Variant Classification Process June 2021. Collection method: clinical testing. Allele origin: germline. Affected: yes.
Comment: Not observed at significant frequency in large population cohorts (gnomAD); In silico analysis supports that this missense variant has a deleterious effect on protein structure/function; This variant is associated with the following publications: (PMID: 35668506, 32352226)

Literature cited by the submitters: PubMed 35668506 (cited by Labcorp Genetics (formerly Invitae), Labcorp); PubMed 16027248 (cited by Labcorp Genetics (formerly Invitae), Labcorp); PubMed 16885183 (cited by Labcorp Genetics (formerly Invitae), Labcorp); PubMed 18852674 (cited by Labcorp Genetics (formerly Invitae), Labcorp); PubMed 21098638 (cited by Labcorp Genetics (formerly Invitae), Labcorp); PubMed 23884466 (cited by Labcorp Genetics (formerly Invitae), Labcorp); PubMed 25644172 (cited by Labcorp Genetics (formerly Invitae), Labcorp); PubMed 27508510 (cited by Labcorp Genetics (formerly Invitae), Labcorp).

NM_003242.6(TGFBR2):c.1378C>G (p.Arg460Gly)

Gene: TGFBR2 (transforming growth factor beta receptor 2; plus strand). Cytogenetic location: 3p24.1.
Variant type: single nucleotide variant.
Coding change: c.1378C>G on transcript NM_003242.6 (MANE Select); coding-DNA position 1378, C replaced by G.
Protein change: p.Arg460Gly; replaces arginine 460 with glycine.
Molecular consequence: missense variant.
Genome position (GRCh38, 1-based): chr3:30,674,228, C>G. VCF-style: chr3-30674228-C-G. GRCh37 (hg19) VCF-style: chr3-30715720-C-G.
Other names: c.1453C>G, p.Arg485Gly (NM_001024847.3); c.1561C>G, p.Arg521Gly (NM_001407126.1); c.1486C>G, p.Arg496Gly (NM_001407127.1); c.1405C>G, p.Arg469Gly (NM_001407128.1); c.1381C>G, p.Arg461Gly (NM_001407129.1); c.1378C>G, p.Arg460Gly (NM_001407130.1); c.1273C>G, p.Arg425Gly (NM_001407132.1, NM_001407133.1, NM_001407134.1 and 2 more transcripts); c.1093C>G, p.Arg365Gly (NM_001407137.1); and 2 more; short protein forms R485G, R460G, R340G, R496G, R425G, R469G, R521G, R461G.
Identifiers: ClinVar variation 1470300 (VCV001470300.10), dbSNP rs104893811, ClinGen allele CA351809137.